The following is an entry in ClinVar:

NM_000435.3(NOTCH3):c.1369T>G (p.Cys457Gly)

Gene: NOTCH3 (notch receptor 3; minus strand). Cytogenetic location: 19p13.12.
Variant type: single nucleotide variant.
Coding change: c.1369T>G on transcript NM_000435.3 (MANE Select); coding-DNA position 1369, T replaced by G.
Protein change: p.Cys457Gly; replaces cysteine 457 with glycine.
Molecular consequence: missense variant.
Genome position (GRCh38, 1-based): chr19:15,188,998, A>C on the plus strand (T>G on the coding strand, the complement: NOTCH3 is on the minus strand). VCF-style: chr19-15188998-A-C. GRCh37 (hg19) VCF-style: chr19-15299809-A-C.
Other names: short protein forms C457G.
Identifiers: ClinVar variation 2684126 (VCV002684126.1), dbSNP rs2512661018, ClinGen allele CA404527554.

ClinVar aggregate classification (germline): Pathogenic (1 of 4 stars; one submission).

Submission:

Athena Diagnostics
Classification: Pathogenic. Last evaluated: 2022-10-15. Review status: criteria provided, single submitter. Criteria: Athena Diagnostics Criteria. Collection method: clinical testing. Allele origin: unknown.
Comment: This variant has been identified in at least one individual with clinical features of CADASIL. This variant has not been reported in large, multi-ethnic general populations. This variant alters a critical location within the protein, and is expected to severely affect function and cause disease. Greater than 90% of NOTCH3 pathogenic variants associated with CADASIL involve the gain or loss of a cysteine residue within the epidermal growth factor (EGF)-like repeat domain (PMID: 32457593, 20301673).